The following is an entry in ClinVar:

NM_001005498.4(RHBDF2):c.*3G>A

Gene: RHBDF2 (rhomboid 5 homolog 2; minus strand). Cytogenetic location: 17q25.1.
Variant type: single nucleotide variant.
Coding change: c.*3G>A on transcript NM_001005498.4 (MANE Select); 3 bases downstream of the stop codon, G replaced by A.
Molecular consequence: 3 prime UTR variant. On other transcripts: non-coding transcript variant (3).
Genome position (GRCh38, 1-based): chr17:76,471,630, C>T on the plus strand (G>A on the coding strand, the complement: RHBDF2 is on the minus strand). VCF-style: chr17-76471630-C-T. GRCh37 (hg19) VCF-style: chr17-74467712-C-T.
Other names: c.*3G>A (NM_001376228.1, NM_001376229.1, NM_001376230.1 and 1 more transcripts).
Identifiers: ClinVar variation 3041568 (VCV003041568.2), dbSNP rs369525630, ClinGen allele CA8786657.

ClinVar aggregate classification (germline): Likely benign (0 of 4 stars; one submission).

Conditions:
RHBDF2-related disorder. Also called: RHBDF2-related condition.

Allele frequency attached by ClinVar (database versions not stated): ExAC 0.00007; gnomAD 0.00012; TOPMed 0.00012; ESP Exome Variant Server 0.00031.

Submission:

PreventionGenetics, part of Exact Sciences
Classification: Likely benign for RHBDF2-related condition. Last evaluated: 2019-05-13. Review status: no assertion criteria provided. Collection method: clinical testing. Allele origin: germline.
Comment: This variant is classified as likely benign based on ACMG/AMP sequence variant interpretation guidelines (Richards et al. 2015 PMID: 25741868, with internal and published modifications).